The following is an entry in ClinVar:

ClinVar aggregate classification (germline): Pathogenic (1 of 4 stars; one submission).

Conditions:
Fabry disease. Also called: Fabry's disease; ALPHA-GALACTOSIDASE A DEFICIENCY; ANDERSON-FABRY DISEASE; CERAMIDE TRIHEXOSIDASE DEFICIENCY; GLA DEFICIENCY; HEREDITARY DYSTOPIC LIPIDOSIS. Identifiers: Orphanet 324, MedGen C0002986, MONDO:0010526, OMIM 301500, HP:0001071. Disease mechanism: Fabry disease is due to inactivating mutations in the X-linked GLA gene resulting in deficiency of the enzyme Alpha Galactosidase-A., loss of function.

Submission:

Genomenon, Inc
Classification: Pathogenic for Fabry disease. Last evaluated: 2026-09-08. Review status: criteria provided, single submitter. Criteria: Genomenon Sequence Variant Interpretation Standards - Updated. Collection method: curation. Allele origin: germline. Affected: yes.
Comment: GLA p.Leu275SerfsTer7 (c.823del) is a frameshift variant that is predicted to introduce a premature termination codon and result in a truncated or absent protein product. This variant has been observed in at least one proband with clinical features consistent with Fabry disease (PMID:40692291). The variant was found to segregate with disease in at least one affected family (PMID:40692291). It is absent or not present at a significant frequency in gnomAD. In conclusion, we classify GLA p.Leu275SerfsTer7 (c.823del) as a pathogenic variant.

Literature cited by the submitters: PubMed 40692291.

NM_000169.3(GLA):c.823del (p.Leu275fs)

Genes: GLA (galactosidase alpha; minus strand), RPL36A-HNRNPH2 (RPL36A-HNRNPH2 readthrough; plus strand). Cytogenetic location: Xq22.1.
Variant type: Deletion.
Coding change: c.823del on transcript NM_000169.3 (MANE Select); coding-DNA position 823, one base deleted (C; older notation c.823delC).
Protein change: p.Leu275fs; shifts the reading frame from leucine 275.
Molecular consequence: frameshift variant. On other transcripts: non-coding transcript variant (3), intron variant (2).
Genome position (GRCh38, 1-based): chrX:101,398,546, G deleted on the plus strand (C on the coding strand, the reverse complement: GLA is on the minus strand); the first of 2 consecutive G bases (chrX:101,398,546-101,398,547); deleting either gives the same sequence. VCF-style (leftmost placement, unchanged base first): chrX-101398545-AG-A. GRCh37 (hg19) VCF-style: chrX-100653533-AG-A.
Other names: c.946del, p.Leu316fs (NM_001406747.1); c.823del, p.Leu275fs (NM_001406748.1); c.300+3090del (NM_001199973.2); c.177+6725del (NM_001199974.2); short protein forms L275fs, L316fs.
Identifiers: ClinVar variation 4974927 (VCV004974927.1), dbSNP rs869025435.